The following is an entry in ClinVar:

ClinVar aggregate classification (germline): Benign. Review status: criteria provided, multiple submitters, no conflicts (2 of 4 stars). 3 submissions from 3 submitters: Benign (2). 1 of the submissions does not count toward it. Last evaluated 2026-02-02.

Conditions:
ERBIN-related disorder. Also called: ERBIN-related condition.

Allele frequency attached by ClinVar (database versions not stated): gnomAD exomes 0.00168; ExAC 0.00199; gnomAD 0.00630 and 0.00669; 1000 Genomes Project 0.00659; TOPMed 0.00672; ESP Exome Variant Server 0.00715; 1000 Genomes Project 30x 0.00750.
gnomAD v4.1: 1,850 of 1,614,106 alleles (0.11%); highest among the groups gnomAD compares: African/African-American, 2.2%; 26 homozygotes.

Submissions (3):

Labcorp Genetics (formerly Invitae), Labcorp
Classification: Benign. Last evaluated: 2026-02-02. Review status: criteria provided, single submitter. Criteria: Invitae Variant Classification Sherloc (09022015). Collection method: clinical testing. Allele origin: germline.

Breakthrough Genomics
Classification: Benign. Review status: criteria provided, single submitter. Criteria: ACMG Guidelines, 2015. Collection method: not provided. Allele origin: germline. Inheritance: Unknown mechanism. Affected: yes.

PreventionGenetics, part of Exact Sciences
Classification: Benign for ERBIN-related condition. Last evaluated: 2019-08-09. Review status: no assertion criteria provided. Collection method: clinical testing. Allele origin: germline. Not counted in ClinVar's aggregate classification.
Comment: This variant is classified as benign based on ACMG/AMP sequence variant interpretation guidelines (Richards et al. 2015 PMID: 25741868, with internal and published modifications).

NM_001253697.2(ERBIN):c.3313T>C (p.Leu1105=)

Gene: ERBIN (erbb2 interacting protein; plus strand). Cytogenetic location: 5q12.3.
Variant type: single nucleotide variant.
Coding change: c.3313T>C on transcript NM_001253697.2 (MANE Select); coding-DNA position 3313, T replaced by C.
Protein change: p.Leu1105=; no amino-acid change (leucine 1105 retained).
Molecular consequence: synonymous variant.
Genome position (GRCh38, 1-based): chr5:66,054,631, T>C. VCF-style: chr5-66054631-T-C. GRCh37 (hg19) VCF-style: chr5-65350459-T-C.
Other names: c.3313T>C, p.Leu1105= (NM_001006600.3, NM_001253698.2, NM_001253699.2 and 1 more transcripts); c.3301T>C, p.Leu1101= (NM_001253701.2); c.3313T>C (NM_001006600.2).
Identifiers: ClinVar variation 780540 (VCV000780540.12), dbSNP rs113520078, ClinGen allele CA3286639.
Genomic context (GRCh38, chr5:66,054,631, plus strand): 5'-TCTGTAAATCTTGGTGATCCAGGCTCTACAAGGCGGGCTCAGATTCCTGAAGGAGATTAT[T>C]TATCATACAGAGAGTTCCACTCAGCGGGAAGAACTCCTCCAATGATGCCAGGATCACAGA-3'
Protein context (NP_001240626.1, residues 1095-1115): RRAQIPEGDY[Leu1105=]SYREFHSAGR